The following is an entry in ClinVar:

ClinVar aggregate classification (germline): Uncertain significance (1 of 4 stars; one submission).

Conditions:
Nephronophthisis. Also called: Juvenile Nephronophthisis. Identifiers: Orphanet 655, MedGen C0687120, MONDO:0019005, HP:0000090.

Allele frequency attached by ClinVar (database versions not stated): gnomAD exomes below 0.00001; gnomAD 0.00001.
gnomAD v4.1: 4 of 1,614,078 alleles (0.00025%); highest among the groups gnomAD compares: East Asian, 0.0045%; no homozygotes.

Submission:

Labcorp Genetics (formerly Invitae), Labcorp
Classification: Uncertain significance for Nephronophthisis. Last evaluated: 2021-02-12. Review status: criteria provided, single submitter. Criteria: Invitae Variant Classification Sherloc (09022015). Collection method: clinical testing. Allele origin: germline.
Comment: In summary, the available evidence is currently insufficient to determine the role of this variant in disease. Therefore, it has been classified as a Variant of Uncertain Significance. This sequence change replaces histidine with arginine at codon 614 of the NPHP3 protein (p.His614Arg). The histidine residue is highly conserved and there is a small physicochemical difference between histidine and arginine. This variant is not present in population databases (ExAC no frequency). This variant has not been reported in the literature in individuals with NPHP3-related conditions. Algorithms developed to predict the effect of missense changes on protein structure and function are either unavailable or do not agree on the potential impact of this missense change (SIFT: "Deleterious"; PolyPhen-2: "Possibly Damaging"; Align-GVGD: "Class C0").

NM_153240.5(NPHP3):c.1841A>G (p.His614Arg)

Genes: NPHP3 (nephrocystin 3; minus strand), NPHP3-ACAD11 (NPHP3-ACAD11 readthrough (NMD candidate); minus strand). Cytogenetic location: 3q22.1.
Variant type: single nucleotide variant.
Coding change: c.1841A>G on transcript NM_153240.5 (MANE Select); coding-DNA position 1841, A replaced by G.
Protein change: p.His614Arg; replaces histidine 614 with arginine.
Molecular consequence: missense variant. On other transcripts: non-coding transcript variant (1).
Genome position (GRCh38, 1-based): chr3:132,699,964, T>C on the plus strand (A>G on the coding strand, the complement: NPHP3 is on the minus strand). VCF-style: chr3-132699964-T-C. GRCh37 (hg19) VCF-style: chr3-132418808-T-C.
Other names: short protein forms H614R.
Identifiers: ClinVar variation 1509332 (VCV001509332.8), dbSNP rs1346771272, ClinGen allele CA354582692.
Genomic context (GRCh38, chr3:132,699,964, plus strand): 5'-ATGGAAAACGGTACCTGAACTTGATCTATAGAATCAATAACGATGATGATGCTGCCTTGA[T>C]GACGAGCAGAGAGTTTTTCCAGCCAACGTGGAAATTCTTCCAGAAGCTTAGCAGGATCCA-3'
Protein context (NP_694972.3, residues 604-624): PRWLEKLSAR[His614Arg]QGSIIIVIDS